The following is an entry in ClinVar:

ClinVar aggregate classification (germline): Benign. Review status: criteria provided, multiple submitters, no conflicts (2 of 4 stars). 27 submissions from 27 submitters: Benign (17). 10 of the submissions do not count toward it. Last evaluated 2026-02-04.

Conditions:
Breast and/or ovarian cancer. Identifiers: MedGen CN221562.
Hereditary cancer-predisposing syndrome. Also called: Tumor predisposition; Hereditary neoplastic syndrome; Neoplastic Syndromes, Hereditary; Hereditary Cancer Syndrome. Identifiers: Orphanet 140162, MedGen C0027672, MeSH D009386, MONDO:0015356.
Hereditary breast ovarian cancer syndrome. Also called: Hereditary breast and ovarian cancer syndrome; Hereditary breast and ovarian cancer; Hereditary breast and ovarian cancer syndrome (HBOC); Breast and ovarian cancer; BRCA1- and BRCA2-Associated Hereditary Breast and Ovarian Cancer; Hereditary breast and/or ovarian cancer syndrome. Identifiers: Orphanet 145, MedGen C0677776, MeSH D061325, MONDO:0003582. Disease mechanism: loss of function.
Familial cancer of breast. Also called: BREAST CANCER, FAMILIAL; Hereditary breast cancer; hereditary breast carcinoma. Identifiers: Orphanet 227535, MedGen C0346153, MONDO:0016419, OMIM 114480. Disease mechanism: loss of function.
Ataxia-telangiectasia syndrome (AT). Also called: ATAXIA-TELANGIECTASIA, COMPLEMENTATION GROUP A; ATAXIA-TELANGIECTASIA, FRESNO VARIANT; Ataxia-telangiectasia; LOUIS-BAR SYNDROME; Cerebello-oculocutaneous telangiectasia; Immunodeficiency with ataxia telangiectasia. Identifiers: Orphanet 100, MedGen C0004135, MONDO:0008840, OMIM 208900.

Allele frequency attached by ClinVar (database versions not stated): gnomAD exomes 0.00568 and 0.01234; ExAC 0.01447; gnomAD 0.02156 and 0.02159; TOPMed 0.02298; ESP Exome Variant Server 0.02447; 1000 Genomes Project 0.03195; 1000 Genomes Project 30x 0.03279.
gnomAD v4.1: 11,708 of 1,613,616 alleles (0.73%); highest among the groups gnomAD compares: African/African-American, 6.9%; 318 homozygotes.

Submissions 1 to 22 of 27:

Labcorp Genetics (formerly Invitae), Labcorp
Classification: Benign for Ataxia-telangiectasia syndrome. Last evaluated: 2026-02-04. Review status: criteria provided, single submitter. Criteria: Invitae Variant Classification Sherloc (09022015). Collection method: clinical testing. Allele origin: germline.

Athena Diagnostics
Classification: Benign. Last evaluated: 2025-10-16. Review status: criteria provided, single submitter. Criteria: Athena Diagnostics Criteria. Collection method: clinical testing. Allele origin: unknown.
Comment: The frequency of this variant in the general population is higher than would generally be expected for pathogenic variants in this gene.

ARUP Laboratories, Molecular Genetics and Genomics, ARUP Laboratories
Classification: Benign. Last evaluated: 2025-07-21. Review status: criteria provided, single submitter. Criteria: ARUP Molecular Germline Variant Investigation Process 2024. Collection method: clinical testing. Allele origin: germline.

Center for Genomic Medicine, Rigshospitalet, Copenhagen University Hospital
Classification: Benign. Last evaluated: 2025-03-04. Review status: criteria provided, single submitter. Criteria: ACMG Guidelines, 2015. Collection method: clinical testing. Allele origin: germline.

Myriad Genetics, Inc.
Classification: Benign for Familial cancer of breast. Last evaluated: 2024-05-16. Review status: criteria provided, single submitter. Criteria: Myriad Autosomal Dominant, Autosomal Recessive and X-Linked Classification Criteria (2023). Collection method: clinical testing. Allele origin: unknown.
Comment: This variant is considered benign. This variant has been observed at a population frequency that is significantly greater than expected given the associated disease prevalence and penetrance.

KCCC/NGS Laboratory, Kuwait Cancer Control Center
Classification: Benign for Familial cancer of breast. Last evaluated: 2023-07-07. Review status: criteria provided, single submitter. Criteria: ACMG Guidelines, 2015. Collection method: clinical testing. Allele origin: germline. Affected: yes.

Mayo Clinic Laboratories, Mayo Clinic
Classification: Benign. Last evaluated: 2022-10-06. Review status: criteria provided, single submitter. Criteria: ACMG Guidelines, 2015. Collection method: clinical testing. Allele origin: germline. Observed: 20 variant alleles.
Comment: BA1, BP4

National Health Laboratory Service, Universitas Academic Hospital and University of the Free State
Classification: Benign for Hereditary breast ovarian cancer syndrome. Last evaluated: 2022-04-19. Review status: criteria provided, single submitter. Criteria: ACMG Guidelines, 2015. Collection method: clinical testing. Allele origin: germline. Affected: yes. Observed: 14 variant alleles.

CHEO Genetics Diagnostic Laboratory, Children's Hospital of Eastern Ontario
Classification: Benign for Breast and/or ovarian cancer. Last evaluated: 2021-12-07. Review status: criteria provided, single submitter. Criteria: ACMG Guidelines, 2015. Collection method: clinical testing. Allele origin: germline.

Sema4
Classification: Benign for Hereditary cancer-predisposing syndrome. Last evaluated: 2020-02-24. Review status: criteria provided, single submitter. Criteria: Sema4 Curation Guidelines. Collection method: curation. Allele origin: germline.

Illumina Laboratory Services, Illumina
Classification: Benign for Ataxia-telangiectasia syndrome. Last evaluated: 2018-03-06. Review status: criteria provided, single submitter. Criteria: ICSL Variant Classification Criteria 13 December 2019. Collection method: clinical testing. Allele origin: germline.
Comment: This variant was observed in the ICSL laboratory as part of a predisposition screen in an ostensibly healthy population. It had not been previously curated by ICSL or reported in the Human Gene Mutation Database (HGMD: prior to June 1st, 2018), and was therefore a candidate for classification through an automated scoring system. Utilizing variant allele frequency, disease prevalence and penetrance estimates, and inheritance mode, an automated score was calculated to assess if this variant is too frequent to cause the disease. Based on the score and internal cut-off values, a variant classified as benign is not then subjected to further curation. The score for this variant resulted in a classification of benign for this disease.

Eurofins Ntd Llc (ga)
Classification: Benign. Last evaluated: 2016-05-12. Review status: criteria provided, single submitter. Criteria: EGL Classification Definitions 2015. Collection method: clinical testing. Allele origin: germline. Observed: 2 variant alleles, 2 heterozygotes.

GeneDx
Classification: Benign. Last evaluated: 2015-03-03. Review status: criteria provided, single submitter. Criteria: GeneDx Variant Classification Process June 2021. Collection method: clinical testing. Allele origin: germline. Affected: yes.
Comment: This variant is associated with the following publications: (PMID: 24728327, 27153395, 27016235, 11505391, 11746755, 22529920, 20981092, 22995991)

Color Diagnostics, LLC DBA Color Health
Classification: Benign for Hereditary cancer-predisposing syndrome. Last evaluated: 2014-11-25. Review status: criteria provided, single submitter. Criteria: ACMG Guidelines, 2015. Collection method: clinical testing. Allele origin: germline.

Ambry Genetics
Classification: Benign for Hereditary cancer-predisposing syndrome. Last evaluated: 2014-11-21. Review status: criteria provided, single submitter. Criteria: Ambry Variant Classification Scheme 2023. Collection method: clinical testing. Allele origin: germline.

Breakthrough Genomics
Classification: Benign. Review status: criteria provided, single submitter. Criteria: ACMG Guidelines, 2015. Collection method: not provided. Allele origin: germline. Inheritance: Autosomal recessive inheritance. Affected: yes.

PreventionGenetics, part of Exact Sciences
Classification: Benign. Review status: criteria provided, single submitter. Criteria: ACMG Guidelines, 2015. Collection method: clinical testing. Allele origin: germline.

Natera, Inc.
Classification: Benign for Ataxia-telangiectasia. Last evaluated: 2020-09-16. Review status: no assertion criteria provided. Collection method: clinical testing. Allele origin: germline. Not counted in ClinVar's aggregate classification.

True Health Diagnostics
Classification: Likely benign for Hereditary cancer-predisposing syndrome. Last evaluated: 2017-11-14. Review status: no assertion criteria provided. Collection method: clinical testing. Allele origin: germline. Not counted in ClinVar's aggregate classification.

ITMI
No classification provided. Condition: AllHighlyPenetrant. Last evaluated: 2013-09-19. Review status: no classification provided. Collection method: reference population. Allele origin: germline. Not counted in ClinVar's aggregate classification.
Comment: Please see associated publication for description of ethnicities

Clinical Genetics Laboratory, Department of Pathology, Netherlands Cancer Institute
Classification: Benign. Review status: no assertion criteria provided. Collection method: clinical testing. Allele origin: germline. Affected: yes. Study: VKGL Data-share Consensus. Not counted in ClinVar's aggregate classification.

Clinical Genetics, Academic Medical Center
Classification: Benign. Review status: no assertion criteria provided. Collection method: clinical testing. Allele origin: germline. Affected: yes. Study: VKGL Data-share Consensus. Not counted in ClinVar's aggregate classification.

NM_000051.4(ATM):c.4138C>T (p.His1380Tyr)

Gene: ATM (ATM serine/threonine kinase; plus strand). Cytogenetic location: 11q22.3.
Variant type: single nucleotide variant.
Coding change: c.4138C>T on transcript NM_000051.4 (MANE Select); coding-DNA position 4138, C replaced by T.
Protein change: p.His1380Tyr; replaces histidine 1380 with tyrosine.
Molecular consequence: missense variant.
Genome position (GRCh38, 1-based): chr11:108,289,005, C>T. VCF-style: chr11-108289005-C-T. GRCh37 (hg19) VCF-style: chr11-108159732-C-T.
Other names: NP_000042.3:p.His1380Tyr; c.4138C>T, p.His1380Tyr (NM_001351834.2); short protein forms H1380Y.
Identifiers: ClinVar variation 133619 (VCV000133619.52), dbSNP rs3092856, ClinGen allele CA157116.